The following is an entry in ClinVar:

ClinVar aggregate classification (germline): Pathogenic/Likely pathogenic. Review status: criteria provided, multiple submitters, no conflicts (2 of 4 stars). 2 submissions from 2 submitters: Pathogenic (1); Likely pathogenic (1). Last evaluated 2025-09-23.

gnomAD v4.1: 22 of 1,613,942 alleles (0.0014%); highest among the groups gnomAD compares: Admixed American, 0.0017%; no homozygotes.

Submissions (2):

Labcorp Genetics (formerly Invitae), Labcorp
Classification: Pathogenic. Last evaluated: 2025-09-23. Review status: criteria provided, single submitter. Criteria: Invitae Variant Classification Sherloc (09022015). Collection method: clinical testing. Allele origin: germline.
Comment: This sequence change creates a premature translational stop signal (p.Tyr591*) in the ASXL1 gene. While this is not anticipated to result in nonsense mediated decay, it is expected to disrupt the last 951 amino acid(s) of the ASXL1 protein. The frequency data for this variant in the population databases is considered unreliable, as metrics indicate poor data quality at this position in the gnomAD database. This variant has not been reported in the literature in individuals affected with ASXL1-related conditions. ClinVar contains an entry for this variant (Variation ID: 2498883). This variant disrupts a region of the ASXL1 protein in which other variant(s) (p.Glu1400*) have been determined to be pathogenic (PMID: 31969346). This suggests that this is a clinically significant region of the protein, and that variants that disrupt it are likely to be disease-causing. For these reasons, this variant has been classified as Pathogenic.

CeGaT Center for Human Genetics Tuebingen
Classification: Likely pathogenic. Last evaluated: 2023-01-01. Review status: criteria provided, single submitter. Criteria: CeGaT Center For Human Genetics Tuebingen Variant Classification Criteria Version 2. Collection method: clinical testing. Allele origin: germline. Affected: yes. Observed: 1 variant allele.
Comment: ASXL1: PVS1:Strong, PM2, PS4:Supporting

Literature cited by the submitters: PubMed 31969346 (cited by Labcorp Genetics (formerly Invitae), Labcorp).

NM_015338.6(ASXL1):c.1773C>A (p.Tyr591Ter)

Gene: ASXL1 (ASXL transcriptional regulator 1; plus strand). Cytogenetic location: 20q11.21.
Variant type: single nucleotide variant.
Coding change: c.1773C>A on transcript NM_015338.6 (MANE Select); coding-DNA position 1773, C replaced by A.
Protein change: p.Tyr591Ter; replaces tyrosine 591 with a stop codon.
Molecular consequence: nonsense.
Genome position (GRCh38, 1-based): chr20:32,434,485, C>A. VCF-style: chr20-32434485-C-A. GRCh37 (hg19) VCF-style: chr20-31022288-C-A.
Other names: c.1590C>A, p.Tyr530Ter (NM_001363734.1); short protein forms Y530*, Y591*.
Identifiers: ClinVar variation 2498883 (VCV002498883.29), dbSNP rs371369583, ClinGen allele CA9808447.
Genomic context (GRCh38, chr20:32,434,485, plus strand): 5'-TTTGCAGATTCAACTTTCACGTATCAAACCACCCTGGGTGGTTAAAGGTCAGCCCACTTA[C>A]CAGATATGCCCCCGGATCATCCCCACCACGGAGTCCTCCTGCCGGGGTTGGACTGGCGCC-3'